The following is an entry in ClinVar:

ClinVar aggregate classification (germline): Uncertain significance (1 of 4 stars; one submission).

gnomAD v4.1: 2 of 1,613,636 alleles (0.00012%); highest among the groups gnomAD compares: South Asian, 0.0011%; no homozygotes.

Submission:

Greenwood Genetic Center Diagnostic Laboratories, Greenwood Genetic Center
Classification: Uncertain significance. Last evaluated: 2025-10-16. Review status: criteria provided, single submitter. Criteria: ACMG Guidelines, 2015. Collection method: clinical testing. Allele origin: germline. Affected: yes.
Comment: BP4

NM_001386298.1(CIC):c.5042C>T (p.Ala1681Val)

Gene: CIC (capicua transcriptional repressor; plus strand). Cytogenetic location: 19q13.2.
Variant type: single nucleotide variant.
Coding change: c.5042C>T on transcript NM_001386298.1 (MANE Select); coding-DNA position 5042, C replaced by T.
Protein change: p.Ala1681Val; replaces alanine 1681 with valine.
Molecular consequence: missense variant.
Genome position (GRCh38, 1-based): chr19:42,291,083, C>T. VCF-style: chr19-42291083-C-T. GRCh37 (hg19) VCF-style: chr19-42795235-C-T.
Other names: c.5042C>T, p.Ala1681Val (NM_001304815.2, NM_001379480.1, NM_001379482.1 and 6 more transcripts); c.2315C>T, p.Ala772Val (NM_001379484.1, NM_001379485.1, NM_001439189.1 and 3 more transcripts); short protein forms A1681V, A772V.
Identifiers: ClinVar variation 4845572 (VCV004845572.1).